The following is an entry in ClinVar:

ClinVar aggregate classification (germline): Uncertain significance (1 of 4 stars; one submission).

Conditions:
BAP1-related tumor predisposition syndrome (TPDS1). Also called: Tumor susceptibility linked to germline BAP1 mutations; BAP1 tumor predisposition syndrome; COMMON Syndrome; TUMOR PREDISPOSITION SYNDROME 1. Identifiers: Orphanet 289539, MedGen C3280492, MONDO:0013692, OMIM 614327.

Submission:

Labcorp Genetics (formerly Invitae), Labcorp
Classification: Uncertain significance for BAP1-related tumor predisposition syndrome. Last evaluated: 2025-12-17. Review status: criteria provided, single submitter. Criteria: Invitae Variant Classification Sherloc (09022015). Collection method: clinical testing. Allele origin: germline.
Comment: This sequence change falls in intron 8 of the BAP1 gene. It does not directly change the encoded amino acid sequence of the BAP1 protein. RNA analysis indicates that this variant induces altered splicing and may result in an absent or altered protein product. This variant is not present in population databases (gnomAD no frequency). This variant has not been reported in the literature in individuals affected with BAP1-related conditions. Variants that disrupt the consensus splice site are a relatively common cause of aberrant splicing (PMID: 17576681, 9536098). Studies have shown that this variant results in activation of a cryptic splice site, and produces a non-functional protein and/or introduces a premature termination codon (internal data). In summary, the available evidence is currently insufficient to determine the role of this variant in disease. Therefore, it has been classified as a Variant of Uncertain Significance.

Literature cited by the submitters: PubMed 17576681; PubMed 9536098.

NM_004656.4(BAP1):c.659+2dup

Gene: BAP1 (BRCA1 associated deubiquitinase 1; minus strand). Cytogenetic location: 3p21.1.
Variant type: Duplication.
Coding change: c.659+2dup on transcript NM_004656.4 (MANE Select); the canonical splice donor site of the intron after coding-DNA position 659, one base duplicated (T; older notation c.659+2dupT).
Molecular consequence: splice donor variant.
Genome position (GRCh38, 1-based): chr3:52,406,827, A duplicated on the plus strand (T on the coding strand, the reverse complement: BAP1 is on the minus strand). VCF-style (leftmost placement, unchanged base first): chr3-52406826-T-TA. GRCh37 (hg19) VCF-style: chr3-52440842-T-TA.
Other names: c.659+2dup (NM_001410772.1).
Identifiers: ClinVar variation 4733472 (VCV004733472.1).